The following is an entry in ClinVar:

ClinVar aggregate classification (germline): Uncertain significance (1 of 4 stars; one submission).

Conditions:
Inborn genetic diseases. Identifiers: MedGen C0950123, MeSH D030342.

Submission:

Ambry Genetics
Classification: Uncertain significance for Inborn genetic diseases. Last evaluated: 2022-07-27. Review status: criteria provided, single submitter. Criteria: Ambry Variant Classification Scheme 2023. Collection method: clinical testing. Allele origin: germline.
Comment: The p.C485F variant (also known as c.1454G>T), located in coding exon 10 of the ACD gene, results from a G to T substitution at nucleotide position 1454. The cysteine at codon 485 is replaced by phenylalanine, an amino acid with highly dissimilar properties. This amino acid position is conserved. In addition, this alteration is predicted to be tolerated by in silico analysis. Since supporting evidence is limited at this time, the clinical significance of this alteration remains unclear.

NM_001082486.2(ACD):c.1196G>T (p.Cys399Phe)

Gene: ACD (ACD shelterin complex subunit and telomerase recruitment factor; minus strand). Cytogenetic location: 16q22.1.
Variant type: single nucleotide variant.
Coding change: c.1196G>T on transcript NM_001082486.2 (MANE Select); coding-DNA position 1196, G replaced by T.
Protein change: p.Cys399Phe; replaces cysteine 399 with phenylalanine.
Molecular consequence: missense variant.
Genome position (GRCh38, 1-based): chr16:67,657,996, C>A on the plus strand (G>T on the coding strand, the complement: ACD is on the minus strand). VCF-style: chr16-67657996-C-A. GRCh37 (hg19) VCF-style: chr16-67691899-C-A.
Other names: c.1109G>T, p.Cys370Phe (NM_001410884.1); c.1187G>T, p.Cys396Phe (NM_022914.3); short protein forms C399F, C370F, C396F.
Identifiers: ClinVar variation 1773018 (VCV001773018.2), dbSNP rs2543598058, ClinGen allele CA396351555.